The following is an entry in ClinVar:

ClinVar aggregate classification (germline): Likely benign. Review status: criteria provided, multiple submitters, no conflicts (2 of 4 stars). 2 submissions from 2 submitters: Likely benign (2). Last evaluated 2023-12-18.

Conditions:
Malignant hyperthermia, susceptibility to, 1 (MHS1). Also called: Anesthesia related hyperthermia; Malignant hyperpyrexia; Fulminating hyperpyrexia; Pharmacogenic myopathy; RYR1-Related Malignant Hyperthermia Susceptibility; Malignant hyperthermia suceptibility 1. Identifiers: Orphanet 423, MedGen C2930980, MONDO:0007783, OMIM 145600.

Allele frequency attached by ClinVar (database versions not stated): ExAC 0.00002.
gnomAD v4.1: 6 of 1,614,054 alleles (0.00037%); highest among the groups gnomAD compares: Admixed American, 0.0017%; no homozygotes.

Submissions (2):

All of Us Research Program, National Institutes of Health
Classification: Likely benign for Malignant hyperthermia, susceptibility to, 1. Last evaluated: 2023-12-18. Review status: criteria provided, single submitter. Criteria: ACMG Guidelines, 2015. Collection method: clinical testing. Allele origin: germline. Inheritance: Autosomal dominant inheritance. Observed: 1 variant allele, 1 heterozygote.
Comment: This study involves interpretation of variants in research participants for the purpose of population health screening. Participant phenotype was not available at the time of variant classification. Additional details can be found in publication PMID: 35346344, PMCID: PMC8962531

Color Diagnostics, LLC DBA Color Health
Classification: Likely benign for Malignant hyperthermia, susceptibility to, 1. Last evaluated: 2023-11-22. Review status: criteria provided, single submitter. Criteria: ACMG Guidelines, 2015. Collection method: clinical testing. Allele origin: germline.

NM_000540.3(RYR1):c.9372C>T (p.Gly3124=)

Gene: RYR1 (ryanodine receptor 1; plus strand). Cytogenetic location: 19q13.2.
Variant type: single nucleotide variant.
Coding change: c.9372C>T on transcript NM_000540.3 (MANE Select); coding-DNA position 9372, C replaced by T.
Protein change: p.Gly3124=; no amino-acid change (glycine 3124 retained).
Molecular consequence: synonymous variant.
Genome position (GRCh38, 1-based): chr19:38,512,383, C>T. VCF-style: chr19-38512383-C-T. GRCh37 (hg19) VCF-style: chr19-39003023-C-T.
Other names: c.9372C>T, p.Gly3124= (NM_001042723.2).
Identifiers: ClinVar variation 3075116 (VCV003075116.2), dbSNP rs773323498, ClinGen allele CA073544.